The following is an entry in ClinVar:

NM_006015.6(ARID1A):c.2320C>T (p.Arg774Cys)

Gene: ARID1A (AT-rich interaction domain 1A; plus strand). Cytogenetic location: 1p36.11.
Variant type: single nucleotide variant.
Coding change: c.2320C>T on transcript NM_006015.6 (MANE Select); coding-DNA position 2320, C replaced by T.
Protein change: p.Arg774Cys; replaces arginine 774 with cysteine.
Molecular consequence: missense variant.
Genome position (GRCh38, 1-based): chr1:26,762,220, C>T. VCF-style: chr1-26762220-C-T. GRCh37 (hg19) VCF-style: chr1-27088711-C-T.
Other names: c.2320C>T, p.Arg774Cys (NM_139135.4); c.2320C>T (LRG_875t1); short protein forms R774C.
Identifiers: ClinVar variation 434339 (VCV000434339.9), dbSNP rs1466882490, ClinGen allele CA339155218.

ClinVar aggregate classification (germline): Conflicting classifications of pathogenicity. Review status: criteria provided, conflicting classifications (1 of 4 stars). 4 submissions from 3 submitters: Uncertain significance (3); Likely benign (1). Last evaluated 2022-09-30.

Conditions:
ARID1A-related BAFopathy.
Intellectual disability, autosomal dominant 14 (CSS2). Also called: COFFIN-SIRIS SYNDROME 2. Identifiers: Orphanet 1465, MedGen C3553247, MONDO:0013819, OMIM 614607.

Allele frequency attached by ClinVar (database versions not stated): gnomAD exomes below 0.00001; gnomAD 0.00001; TOPMed 0.00001.
gnomAD v4.1: 7 of 1,614,082 alleles (0.00043%); highest among the groups gnomAD compares: Non-Finnish European, 0.00059%; no homozygotes.

Submissions (4):

Blueprint Genetics
Classification: Uncertain significance. Last evaluated: 2022-09-30. Review status: criteria provided, single submitter. Criteria: ACMG Guidelines, 2015. Collection method: clinical testing. Allele origin: germline.

Baylor Genetics
Classification: Uncertain significance for ARID1A-related BAFopathy. Last evaluated: 2021-06-10. Review status: criteria provided, single submitter. Criteria: ACMG Guidelines, 2015. Collection method: clinical testing. Allele origin: de novo. Affected: yes.

Baylor Genetics
Classification: Uncertain significance for Intellectual disability, autosomal dominant 14. Last evaluated: 2019-02-22. Review status: criteria provided, single submitter. Criteria: ACMG Guidelines, 2015. Collection method: clinical testing. Allele origin: de novo. Affected: yes.
Comment: This variant was determined to be of uncertain significance according to ACMG Guidelines, 2015 [PMID:25741868].

Genetic Services Laboratory, University of Chicago
Classification: Likely benign. Last evaluated: 2016-06-14. Review status: criteria provided, single submitter. Criteria: ACMG Guidelines, 2015. Collection method: clinical testing. Allele origin: germline. Affected: no.